The following is an entry in ClinVar:

NM_003239.5(TGFB3):c.16C>G (p.Gln6Glu)

Gene: TGFB3 (transforming growth factor beta 3; minus strand). Cytogenetic location: 14q24.3.
Variant type: single nucleotide variant.
Coding change: c.16C>G on transcript NM_003239.5 (MANE Select); coding-DNA position 16, C replaced by G.
Protein change: p.Gln6Glu; replaces glutamine 6 with glutamic acid.
Molecular consequence: missense variant.
Genome position (GRCh38, 1-based): chr14:75,980,878, G>C on the plus strand (C>G on the coding strand, the complement: TGFB3 is on the minus strand). VCF-style: chr14-75980878-G-C. GRCh37 (hg19) VCF-style: chr14-76447221-G-C.
Other names: c.16C>G, p.Gln6Glu (NM_001329938.2, NM_001329939.2); short protein forms Q6E.
Identifiers: ClinVar variation 648208 (VCV000648208.11), dbSNP rs367967889, ClinGen allele CA7280536.

ClinVar aggregate classification (germline): Uncertain significance. Review status: criteria provided, multiple submitters, no conflicts (2 of 4 stars). 3 submissions from 3 submitters: Uncertain significance (3). Last evaluated 2025-12-28.

Conditions:
Rienhoff syndrome. Also called: LOEYS-DIETZ SYNDROME 5. Identifiers: MedGen C3810012, MONDO:0014262, OMIM 615582.
Familial thoracic aortic aneurysm and aortic dissection (TAAD). Also called: Thoracic aortic aneurysms and dissections. Identifiers: Orphanet 91387, MedGen C4707243, MONDO:0019625.

Allele frequency attached by ClinVar (database versions not stated): ExAC 0.00001; gnomAD 0.00001; gnomAD exomes 0.00001 and 0.00002; TOPMed 0.00002; ESP Exome Variant Server 0.00008.
gnomAD v4.1: 36 of 1,613,994 alleles (0.0022%); highest among the groups gnomAD compares: Non-Finnish European, 0.0031%; no homozygotes.

Submissions (3):

Labcorp Genetics (formerly Invitae), Labcorp
Classification: Uncertain significance for Rienhoff syndrome. Last evaluated: 2025-12-28. Review status: criteria provided, single submitter. Criteria: Invitae Variant Classification Sherloc (09022015). Collection method: clinical testing. Allele origin: germline.
Comment: This sequence change replaces glutamine, which is neutral and polar, with glutamic acid, which is acidic and polar, at codon 6 of the TGFB3 protein (p.Gln6Glu). This variant is present in population databases (rs367967889, gnomAD 0.002%). This variant has not been reported in the literature in individuals affected with TGFB3-related conditions. ClinVar contains an entry for this variant (Variation ID: 648208). An algorithm developed to predict the effect of missense changes on protein structure and function (PolyPhen-2) suggests that this variant is likely to be tolerated. In summary, the available evidence is currently insufficient to determine the role of this variant in disease. Therefore, it has been classified as a Variant of Uncertain Significance.

GeneDx
Classification: Uncertain significance. Last evaluated: 2022-12-28. Review status: criteria provided, single submitter. Criteria: GeneDx Variant Classification Process June 2021. Collection method: clinical testing. Allele origin: germline. Affected: yes.
Comment: Has not been previously published as pathogenic or benign to our knowledge; Not observed at significant frequency in large population cohorts (gnomAD); In silico analysis supports that this missense variant does not alter protein structure/function

Ambry Genetics
Classification: Uncertain significance for Familial thoracic aortic aneurysm and aortic dissection. Last evaluated: 2020-08-17. Review status: criteria provided, single submitter. Criteria: Ambry Variant Classification Scheme 2023. Collection method: clinical testing. Allele origin: germline.
Comment: The p.Q6E variant (also known as c.16C>G), located in coding exon 1 of the TGFB3 gene, results from a C to G substitution at nucleotide position 16. The glutamine at codon 6 is replaced by glutamic acid, an amino acid with highly similar properties. This amino acid position is not well conserved in available vertebrate species. In addition, this alteration is predicted to be tolerated by in silico analysis. Since supporting evidence is limited at this time, the clinical significance of this alteration remains unclear.